The following is an entry in ClinVar:

ClinVar aggregate classification (germline): Uncertain significance. Review status: criteria provided, single submitter (1 of 4 stars). 2 submissions from 2 submitters: Uncertain significance (1). 1 of the submissions does not count toward it. Last evaluated 2025-07-23.

Conditions:
Cognitive impairment - coarse facies - heart defects - obesity - pulmonary involvement - short stature - skeletal dysplasia syndrome. Also called: AFF4-Related CHOPS Syndrome; COGNITIVE IMPAIRMENT, COARSE FACIES, HEART DEFECTS, OBESITY, PULMONARY INVOLVEMENT, SHORT STATURE, AND SKELETAL DYSPLASIA; Chops syndrome. Identifiers: Orphanet 444077, MedGen C4085597, MONDO:0014609, OMIM 616368.
AFF4-related disorder. Also called: AFF4-related condition.

Allele frequency attached by ClinVar (database versions not stated): TOPMed below 0.00001; gnomAD 0.00001; gnomAD exomes 0.00004.
gnomAD v4.1: 59 of 1,614,074 alleles (0.0037%); highest among the groups gnomAD compares: Non-Finnish European, 0.0047%; no homozygotes.

Submissions (2):

Labcorp Genetics (formerly Invitae), Labcorp
Classification: Uncertain significance for Cognitive impairment - coarse facies - heart defects - obesity - pulmonary involvement - short stature - skeletal dysplasia syndrome. Last evaluated: 2025-07-23. Review status: criteria provided, single submitter. Criteria: Invitae Variant Classification Sherloc (09022015). Collection method: clinical testing. Allele origin: germline.
Comment: This sequence change replaces serine, which is neutral and polar, with glycine, which is neutral and non-polar, at codon 162 of the AFF4 protein (p.Ser162Gly). This variant is present in population databases (no rsID available, gnomAD 0.02%). This variant has not been reported in the literature in individuals affected with AFF4-related conditions. ClinVar contains an entry for this variant (Variation ID: 2722425). An algorithm developed to predict the effect of missense changes on protein structure and function (PolyPhen-2) suggests that this variant is likely to be tolerated. In summary, the available evidence is currently insufficient to determine the role of this variant in disease. Therefore, it has been classified as a Variant of Uncertain Significance.

PreventionGenetics, part of Exact Sciences
Classification: Uncertain significance for AFF4-related condition. Last evaluated: 2024-01-19. Review status: no assertion criteria provided. Collection method: clinical testing. Allele origin: germline. Not counted in ClinVar's aggregate classification.
Comment: The AFF4 c.484A>G variant is predicted to result in the amino acid substitution p.Ser162Gly. To our knowledge, this variant has not been reported in the literature. This variant is reported in 0.0080% of alleles in individuals of African descent in gnomAD. Although we suspect that this variant may be benign, at this time, the clinical significance of this variant is uncertain due to the absence of conclusive functional and genetic evidence.

NM_014423.4(AFF4):c.484A>G (p.Ser162Gly)

Gene: AFF4 (ALF transcription elongation factor 4; minus strand). Cytogenetic location: 5q31.1.
Variant type: single nucleotide variant.
Coding change: c.484A>G on transcript NM_014423.4 (MANE Select); coding-DNA position 484, A replaced by G.
Protein change: p.Ser162Gly; replaces serine 162 with glycine.
Molecular consequence: missense variant.
Genome position (GRCh38, 1-based): chr5:132,934,581, T>C on the plus strand (A>G on the coding strand, the complement: AFF4 is on the minus strand). VCF-style: chr5-132934581-T-C. GRCh37 (hg19) VCF-style: chr5-132270273-T-C.
Other names: c.484A>G (NM_014423.3); short protein forms S162G.
Identifiers: ClinVar variation 2722425 (VCV002722425.5), dbSNP rs1483220208, ClinGen allele CA360960866.